The following is an entry in ClinVar:

ClinVar aggregate classification (germline): Uncertain significance (1 of 4 stars; one submission).

Conditions:
CFI-related disorder. Also called: CFI-related condition; CFI-related disorders. Identifiers: MedGen CN239325.

Submission:

Genomenon, Inc
Classification: Uncertain significance for CFI-related disorder. Last evaluated: 2025-09-26. Review status: criteria provided, single submitter. Criteria: Genomenon Sequence Variant Interpretation Standards - Updated. Collection method: curation. Allele origin: germline. Affected: no.
Comment: CFI p.Lys170Gln (c.508A>C) is a missense variant that changes the amino acid at residue 170 from Lysine to Glutamine. To our knowledge, this variant has not been reported in patients affected with CFI-related disorders in the published literature. Functional studies have been reported; however, the significance of the findings remain unclear (20044478). It is absent or not present at a significant frequency in gnomAD. In silico models agree that this variant is not damaging. In conclusion, we classify CFI p.Lys170Gln (c.508A>C) as a variant of unknown significance.

NM_000204.5(CFI):c.508A>C (p.Lys170Gln)

Gene: CFI (complement factor I; minus strand). Cytogenetic location: 4q25.
Variant type: single nucleotide variant.
Coding change: c.508A>C on transcript NM_000204.5 (MANE Select); coding-DNA position 508, A replaced by C.
Protein change: p.Lys170Gln; replaces lysine 170 with glutamine.
Molecular consequence: missense variant. On other transcripts: 5 prime UTR variant (1), non-coding transcript variant (3).
Genome position (GRCh38, 1-based): chr4:109,761,667, T>G on the plus strand (A>C on the coding strand, the complement: CFI is on the minus strand). VCF-style: chr4-109761667-T-G. GRCh37 (hg19) VCF-style: chr4-110682823-T-G.
Other names: c.508A>C, p.Lys170Gln (NM_001318057.2, NM_001331035.2, NM_001375278.1 and 10 more transcripts); c.-102A>C (NM_001375284.1); short protein forms K170Q.
Identifiers: ClinVar variation 4280502 (VCV004280502.1).